The following is an entry in ClinVar:

NM_005609.4(PYGM):c.743dup (p.Ala249fs)

Gene: PYGM (glycogen phosphorylase, muscle associated; minus strand). Cytogenetic location: 11q13.1.
Variant type: Duplication.
Coding change: c.743dup on transcript NM_005609.4 (MANE Select); coding-DNA position 743, one base duplicated (A; older notation c.743dupA).
Protein change: p.Ala249fs; shifts the reading frame from alanine 249.
Molecular consequence: frameshift variant.
Genome position (GRCh38, 1-based): chr11:64,755,476, T duplicated on the plus strand (A on the coding strand, the reverse complement: PYGM is on the minus strand); the first of 2 consecutive T bases (chr11:64,755,476-64,755,477); duplicating either gives the same sequence. VCF-style (leftmost placement, unchanged base first): chr11-64755475-C-CT. GRCh37 (hg19) VCF-style: chr11-64522947-C-CT.
Other names: c.479dup, p.Ala161fs (NM_001164716.1); short protein forms A161fs, A249fs.
Identifiers: ClinVar variation 5011991 (VCV005011991.1).
Genomic context (GRCh38, chr11:64,755,475, plus strand): 5'-TGGGGTTGCTGGCTACCAGTGGATGAACTCACAGTCCTTGAGGTTGAAGTCATTGGGAGC[C>CT]TTGGCAGACCAGAGGCGCATGGTGTTGACAACATTGTTGCGATAGCCAGGCACGGGCGTA-3'

ClinVar aggregate classification (germline): Pathogenic (1 of 4 stars; one submission).

Conditions:
Glycogen storage disease, type V (GSD5). Also called: MCARDLE DISEASE; MUSCLE GLYCOGEN PHOSPHORYLASE DEFICIENCY; MYOPHOSPHORYLASE DEFICIENCY; PYGM DEFICIENCY; McArdle type glycogen storage disease. Identifiers: Orphanet 368, MedGen C0017924, MONDO:0009293, OMIM 232600.

Submission:

Myriad Genetics, Inc.
Classification: Pathogenic for Glycogen storage disease, type V. Last evaluated: 2023-09-27. Review status: criteria provided, single submitter. Criteria: Myriad Autosomal Dominant, Autosomal Recessive and X-Linked Classification Criteria (2023). Collection method: clinical testing. Allele origin: unknown.
Comment: NM_005609.2(PYGM):c.743dupA(A249Gfs*4) is expected to be pathogenic in the context of glycogen storage disease, PYGM-related. This variant is predicted to lead to an abnormal or absent protein product due to the creation of a premature termination codon in PYGM, a gene where loss-of-function variants are known to be pathogenic. Please note: this variant was assessed in the context of healthy population screening.